The following is an entry in ClinVar:

ClinVar aggregate classification (germline): Pathogenic (1 of 4 stars; one submission).

Conditions:
Holoprosencephaly 4 (HPE4). Identifiers: Orphanet 2162, MedGen C1840528, MONDO:0007734, OMIM 142946.

Submission:

Labcorp Genetics (formerly Invitae), Labcorp
Classification: Pathogenic for Holoprosencephaly 4. Last evaluated: 2022-09-28. Review status: criteria provided, single submitter. Criteria: Invitae Variant Classification Sherloc (09022015). Collection method: clinical testing. Allele origin: germline.
Comment: A gross deletion of the genomic region encompassing the full coding sequence of the TGIF1 gene has been identified. Loss-of-function variants in TGIF1 are known to be pathogenic (PMID: 16962354, 22125506). The boundaries of this event are unknown as they extend beyond the assayed region for this gene and therefore may encompass additional genes. Isolated whole-gene deletions of TGIF1 have not been reported in the literature. However, larger copy number events that include this gene have been reported (PMID: 16199538, 17001671, 19431187, 22125506). For these reasons, this variant has been classified as Pathogenic.

Literature cited by the submitters: PubMed 16962354; PubMed 22125506; PubMed 16199538; PubMed 17001671; PubMed 19431187.

NC_000018.9:g.(?_2847807)_(3582246_?)del

Genes: MYOM1 (myomesin 1; minus strand), MYL12B (myosin light chain 12B; plus strand), DLGAP1 (DLG associated protein 1; minus strand), EMILIN2 (elastin microfibril interfacer 2; plus strand), LPIN2 (lipin 2; minus strand) and 2 more. Cytogenetic location: 18p11.32-11.31.
Variant type: Deletion.
Identifiers: ClinVar variation 1452047 (VCV001452047.4).